The following is an entry in ClinVar:

NM_001384125.1(BLTP1):c.2596G>A (p.Val866Ile)

Gene: BLTP1 (bridge-like lipid transfer protein family member 1; plus strand). Cytogenetic location: 4q27.
Variant type: single nucleotide variant.
Coding change: c.2596G>A on transcript NM_001384125.1 (MANE Select); coding-DNA position 2596, G replaced by A.
Protein change: p.Val866Ile; replaces valine 866 with isoleucine.
Molecular consequence: missense variant.
Genome position (GRCh38, 1-based): chr4:122,220,453, G>A. VCF-style: chr4-122220453-G-A. GRCh37 (hg19) VCF-style: chr4-123141608-G-A.
Other names: c.2596G>A, p.Val866Ile (NM_015312.4); short protein forms V866I.
Identifiers: ClinVar variation 451136 (VCV000451136.3), dbSNP rs943393659, ClinGen allele CA104783285.

ClinVar aggregate classification (germline): Uncertain significance (1 of 4 stars; one submission).

Allele frequency attached by ClinVar (database versions not stated): TOPMed 0.00004 and 0.00007; gnomAD 0.00006 and 0.00002.
gnomAD v4.1: 12 of 1,611,042 alleles (0.00074%); highest among the groups gnomAD compares: African/African-American, 0.0013%; no homozygotes.

Submission:

GeneDx
Classification: Uncertain significance. Last evaluated: 2017-08-03. Review status: criteria provided, single submitter. Criteria: GeneDx Variant Classification (06012015). Collection method: clinical testing. Allele origin: germline. Affected: yes.
Comment: The V866I variant in the KIAA1109 gene has not been reported previously as a pathogenic variant, nor as a benign variant, to our knowledge. The V866I variant is not observed in large population cohorts (Lek et al., 2016; 1000 Genomes Consortium et al., 2015; Exome Variant Server). The V866I variant is a conservative amino acid substitution, which is not likely to impact secondary protein structure as these residues share similar properties. This substitution occurs at a position where amino acids with similar properties to Valine are tolerated across species. In silico analysis is inconsistent in its predictions as to whether or not the variant is damaging to the protein structure/function. We interpret V866I as a variant of uncertain significance.